The following is an entry in ClinVar:

NM_015057.5(MYCBP2):c.13369C>T (p.Arg4457Ter)

Gene: MYCBP2 (MYC binding protein 2; minus strand). Cytogenetic location: 13q22.3.
Variant type: single nucleotide variant.
Coding change: c.13369C>T on transcript NM_015057.5 (MANE Select); coding-DNA position 13369, C replaced by T.
Protein change: p.Arg4457Ter; replaces arginine 4457 with a stop codon.
Molecular consequence: nonsense.
Genome position (GRCh38, 1-based): chr13:77,057,054, G>A on the plus strand (C>T on the coding strand, the complement: MYCBP2 is on the minus strand). VCF-style: chr13-77057054-G-A. GRCh37 (hg19) VCF-style: chr13-77631189-G-A.
Other names: short protein forms R4457*.
Identifiers: ClinVar variation 1800925 (VCV001800925.2), dbSNP rs765649534, ClinGen allele CA7007664.

ClinVar aggregate classification (germline): Uncertain significance (1 of 4 stars; one submission).

Allele frequency attached by ClinVar (database versions not stated): gnomAD exomes below 0.00001; ExAC 0.00001.
gnomAD v4.1: 3 of 1,613,692 alleles (0.00019%); highest among the groups gnomAD compares: African/African-American, 0.0013%; no homozygotes.

Submission:

GeneDx
Classification: Uncertain significance. Last evaluated: 2024-08-23. Review status: criteria provided, single submitter. Criteria: GeneDx Variant Classification Process June 2021. Collection method: clinical testing. Allele origin: germline.
Comment: Nonsense variant predicted to result in protein truncation or nonsense mediated decay in a gene for which loss of function is a known mechanism of disease; Has not been previously published as pathogenic or benign to our knowledge